The following is an entry in ClinVar:

NM_020458.4(TTC7A):c.2318C>T (p.Thr773Met)

Gene: TTC7A (tetratricopeptide repeat domain 7A; plus strand). Cytogenetic location: 2p21.
Variant type: single nucleotide variant.
Coding change: c.2318C>T on transcript NM_020458.4 (MANE Select); coding-DNA position 2318, C replaced by T.
Protein change: p.Thr773Met; replaces threonine 773 with methionine.
Molecular consequence: missense variant.
Genome position (GRCh38, 1-based): chr2:47,060,934, C>T. VCF-style: chr2-47060934-C-T. GRCh37 (hg19) VCF-style: chr2-47288073-C-T.
Other names: c.2318C>T, p.Thr773Met (LRG_1323t1); c.2390C>T, p.Thr797Met (NM_001288951.2); c.2216C>T, p.Thr739Met (NM_001288953.2); c.1256C>T, p.Thr419Met (NM_001288955.2); short protein forms T419M, T739M, T773M, T797M.
Identifiers: ClinVar variation 657013 (VCV000657013.6), dbSNP rs757752980, ClinGen allele CA1648095.

ClinVar aggregate classification (germline): Uncertain significance (1 of 4 stars; one submission).

Conditions:
Multiple gastrointestinal atresias. Also called: FAMILIAL INTESTINAL POLYATRESIA SYNDROME; Multiple intestinal atresia. Identifiers: Orphanet 2300, MedGen C0220744, MONDO:0009465.

Allele frequency attached by ClinVar (database versions not stated): ExAC 0.00001; gnomAD exomes 0.00001; TOPMed 0.00001; gnomAD 0.00002.
gnomAD v4.1: 11 of 1,613,868 alleles (0.00068%); highest among the groups gnomAD compares: African/African-American, 0.0013%; no homozygotes.

Submission:

Labcorp Genetics (formerly Invitae), Labcorp
Classification: Uncertain significance for Multiple gastrointestinal atresias. Last evaluated: 2021-08-24. Review status: criteria provided, single submitter. Criteria: Invitae Variant Classification Sherloc (09022015). Collection method: clinical testing. Allele origin: germline.
Comment: This sequence change replaces threonine with methionine at codon 773 of the TTC7A protein (p.Thr773Met). The threonine residue is moderately conserved and there is a moderate physicochemical difference between threonine and methionine. This variant is present in population databases (rs757752980, ExAC 0.002%). This variant has not been reported in the literature in individuals affected with TTC7A-related conditions. Algorithms developed to predict the effect of missense changes on protein structure and function are either unavailable or do not agree on the potential impact of this missense change (SIFT: "Deleterious"; PolyPhen-2: "Possibly Damaging"; Align-GVGD: "Class C0"). In summary, the available evidence is currently insufficient to determine the role of this variant in disease. Therefore, it has been classified as a Variant of Uncertain Significance.